The following is an entry in ClinVar:

NM_025215.6(PUS1):c.217_218insTCTCTTATACACATCT (p.Gly73fs)

Gene: PUS1 (pseudouridine synthase 1; plus strand). Cytogenetic location: 12q24.33.
Variant type: Insertion.
Coding change: c.217_218insTCTCTTATACACATCT on transcript NM_025215.6 (MANE Select); coding-DNA positions 217 to 218, TCTCTTATACACATCT inserted.
Protein change: p.Gly73fs; shifts the reading frame from glycine 73.
Molecular consequence: frameshift variant.
Genome position: GRCh38 VCF-style: chr12-131930049-G-GTCTCTTATACACATCT. GRCh37 (hg19) VCF-style: chr12-132414594-G-GTCTCTTATACACATCT.
Other names: c.133_134insTCTCTTATACACATCT, p.Gly45fs (NM_001002020.3, NM_001002019.3); short protein forms G45fs, G73fs.
Identifiers: ClinVar variation 5011037 (VCV005011037.1).

ClinVar aggregate classification (germline): Pathogenic (1 of 4 stars; one submission).

Conditions:
Myopathy, lactic acidosis, and sideroblastic anemia 1 (MLASA1). Identifiers: Orphanet 2598, MedGen C4551958, MONDO:0024553, OMIM 600462.

Submission:

Myriad Genetics, Inc.
Classification: Pathogenic for Myopathy, lactic acidosis, and sideroblastic anemia 1. Last evaluated: 2024-05-14. Review status: criteria provided, single submitter. Criteria: Myriad Autosomal Dominant, Autosomal Recessive and X-Linked Classification Criteria (2023). Collection method: clinical testing. Allele origin: unknown.
Comment: NM_025215.5(PUS1):c.217_218ins16(G73Vfs*46) is expected to be pathogenic in the context of myopathy, lactic acidosis, and sideroblastic anemia 1. This variant is predicted to lead to an abnormal or absent protein product due to the creation of a premature termination codon in PUS1, a gene where loss-of-function variants are known to be pathogenic. Please note: this variant was assessed in the context of healthy population screening.